The following is an entry in ClinVar:

ClinVar aggregate classification (germline): Uncertain significance (1 of 4 stars; one submission).

Submission:

Labcorp Genetics (formerly Invitae), Labcorp
Classification: Uncertain significance. Last evaluated: 2022-09-19. Review status: criteria provided, single submitter. Criteria: Invitae Variant Classification Sherloc (09022015). Collection method: clinical testing. Allele origin: germline.
Comment: This variant has not been reported in the literature in individuals affected with LZTR1-related conditions. This variant is not present in population databases (gnomAD no frequency). This sequence change replaces aspartic acid, which is acidic and polar, with valine, which is neutral and non-polar, at codon 575 of the LZTR1 protein (p.Asp575Val). Advanced modeling of protein sequence and biophysical properties (such as structural, functional, and spatial information, amino acid conservation, physicochemical variation, residue mobility, and thermodynamic stability) performed at Invitae indicates that this missense variant is not expected to disrupt LZTR1 protein function. In summary, the available evidence is currently insufficient to determine the role of this variant in disease. Therefore, it has been classified as a Variant of Uncertain Significance.

NM_006767.4(LZTR1):c.1724A>T (p.Asp575Val)

Gene: LZTR1 (leucine zipper like post translational regulator 1; plus strand). Cytogenetic location: 22q11.21.
Variant type: single nucleotide variant.
Coding change: c.1724A>T on transcript NM_006767.4 (MANE Select); coding-DNA position 1724, A replaced by T.
Protein change: p.Asp575Val; replaces aspartic acid 575 with valine.
Molecular consequence: missense variant.
Genome position (GRCh38, 1-based): chr22:20,994,666, A>T. VCF-style: chr22-20994666-A-T. GRCh37 (hg19) VCF-style: chr22-21348955-A-T.
Other names: short protein forms D575V.
Identifiers: ClinVar variation 1719802 (VCV001719802.5), dbSNP rs2518621896, ClinGen allele CA410778084.
Genomic context (GRCh38, chr22:20,994,666, plus strand): 5'-TGAGCTTCCAGTTGTGCCGCCTGGAGCAGCTGTGCCGCCAGTACATCGAGGCCTCCGTGG[A>T]CCTGCAGAACGTGCTGGTTGTGTGCGAGAGTGCCGCCCGGCTGCAGCTGAGCCAACTCAA-3'
Protein context (NP_006758.2, residues 565-585): LCRQYIEASV[Asp575Val]LQNVLVVCES